The following is an entry in ClinVar:

NM_006231.4(POLE):c.5798T>A (p.Ile1933Asn)

Gene: POLE (DNA polymerase epsilon, catalytic subunit; minus strand). Cytogenetic location: 12q24.33.
Variant type: single nucleotide variant.
Coding change: c.5798T>A on transcript NM_006231.4 (MANE Select); coding-DNA position 5798, T replaced by A.
Protein change: p.Ile1933Asn; replaces isoleucine 1933 with asparagine.
Molecular consequence: missense variant.
Genome position (GRCh38, 1-based): chr12:132,635,905, A>T on the plus strand (T>A on the coding strand, the complement: POLE is on the minus strand). VCF-style: chr12-132635905-A-T. GRCh37 (hg19) VCF-style: chr12-133212491-A-T.
Other names: short protein forms I1933N.
Identifiers: ClinVar variation 4742121 (VCV004742121.1).

ClinVar aggregate classification (germline): Uncertain significance (1 of 4 stars; one submission).

Submission:

Labcorp Genetics (formerly Invitae), Labcorp
Classification: Uncertain significance. Last evaluated: 2025-04-20. Review status: criteria provided, single submitter. Criteria: Invitae Variant Classification Sherloc (09022015). Collection method: clinical testing. Allele origin: germline.
Comment: This sequence change replaces isoleucine, which is neutral and non-polar, with asparagine, which is neutral and polar, at codon 1933 of the POLE protein (p.Ile1933Asn). This variant is not present in population databases (gnomAD no frequency). This variant has not been reported in the literature in individuals affected with POLE-related conditions. Invitae Evidence Modeling of protein sequence and biophysical properties (such as structural, functional, and spatial information, amino acid conservation, physicochemical variation, residue mobility, and thermodynamic stability) indicates that this missense variant is not expected to disrupt POLE protein function with a negative predictive value of 80%. In summary, the available evidence is currently insufficient to determine the role of this variant in disease. Therefore, it has been classified as a Variant of Uncertain Significance.